The following is an entry in ClinVar:

NM_006393.3(NEBL):c.2386G>A (p.Gly796Ser)

Gene: NEBL (nebulette; minus strand). Cytogenetic location: 10p12.31.
Variant type: single nucleotide variant.
Coding change: c.2386G>A on transcript NM_006393.3 (MANE Select); coding-DNA position 2386, G replaced by A.
Protein change: p.Gly796Ser; replaces glycine 796 with serine.
Molecular consequence: missense variant.
Genome position (GRCh38, 1-based): chr10:20,812,901, C>T on the plus strand (G>A on the coding strand, the complement: NEBL is on the minus strand). VCF-style: chr10-20812901-C-T. GRCh37 (hg19) VCF-style: chr10-21101830-C-T.
Other names: c.397G>A, p.Gly133Ser (NM_001173484.2, NM_001377322.1, NM_213569.2); c.349G>A, p.Gly117Ser (NM_001377323.1); c.340G>A, p.Gly114Ser (NM_001377324.1); c.331G>A, p.Gly111Ser (NM_001377325.1); c.289G>A, p.Gly97Ser (NM_001377326.1, NM_001377327.1, NM_001377328.1); short protein forms G111S, G114S, G133S, G796S, G117S, G97S.
Identifiers: ClinVar variation 1790497 (VCV001790497.3), dbSNP rs757859244, ClinGen allele CA5432496.
Genomic context (GRCh38, chr10:20,812,901, plus strand): 5'-CCACCTGGGTGTTCTTCCTCACTCTCTCTGTCACAGGATCGTCCACGACGGGAGTAAAGC[C>T]TCTCCCCTTTGTTTTTTCAAAATCTTCATGGTATTTTACCTGAAAAAGGAAAAATCATCA-3'
Protein context (NP_006384.1, residues 786-806): HEDFEKTKGR[Gly796Ser]FTPVVDDPVT

ClinVar aggregate classification (germline): Uncertain significance (1 of 4 stars; one submission).

Allele frequency attached by ClinVar (database versions not stated): TOPMed below 0.00001; gnomAD 0.00001; gnomAD exomes 0.00002; ExAC 0.00004.
gnomAD v4.1: 34 of 1,613,812 alleles (0.0021%); highest among the groups gnomAD compares: South Asian, 0.034%; 2 homozygotes.

Submission:

Ambry Genetics
Classification: Uncertain significance. Last evaluated: 2024-11-27. Review status: criteria provided, single submitter. Criteria: Ambry Variant Classification Scheme 2023. Collection method: clinical testing. Allele origin: germline.
Comment: The p.G796S variant (also known as c.2386G>A), located in coding exon 24 of the NEBL gene, results from a G to A substitution at nucleotide position 2386. The glycine at codon 796 is replaced by serine, an amino acid with similar properties. This amino acid position is conserved. In addition, this alteration is predicted to be tolerated by in silico analysis. Since supporting evidence is limited at this time, the clinical significance of this alteration remains unclear.